The following is an entry in ClinVar:

NM_001029883.3(PCARE):c.3447G>A (p.Pro1149=)

Gene: PCARE (photoreceptor cilium actin regulator; minus strand). Cytogenetic location: 2p23.2.
Variant type: single nucleotide variant.
Coding change: c.3447G>A on transcript NM_001029883.3 (MANE Select); coding-DNA position 3447, G replaced by A.
Protein change: p.Pro1149=; no amino-acid change (proline 1149 retained).
Molecular consequence: synonymous variant.
Genome position (GRCh38, 1-based): chr2:29,070,815, C>T on the plus strand (G>A on the coding strand, the complement: PCARE is on the minus strand). VCF-style: chr2-29070815-C-T. GRCh37 (hg19) VCF-style: chr2-29293681-C-T.
Identifiers: ClinVar variation 283187 (VCV000283187.57), dbSNP rs200278694, ClinGen allele CA1591934.
Genomic context (GRCh38, chr2:29,070,815, plus strand): 5'-AGGCCCTGAGCTGTTCTTCCAGCATTCTGCTGGGTTCCCGAGAGGGCCCCCAGCCTCTGG[C>T]GGCAGCGATGGTGGGGTCAGTGGGTGGGCTGTTGAGAGTGGCGGTTTAGCTTCAAACAGA-3'
Protein context (NP_001025054.1, residues 1139-1159): TAHPLTPPSL[Pro1149=]PEAGGPLGNP

ClinVar aggregate classification (germline): Benign/Likely benign. Review status: criteria provided, multiple submitters, no conflicts (2 of 4 stars). 9 submissions from 9 submitters: Benign (2); Likely benign (6). 1 of the submissions does not count toward it. Last evaluated 2026-01-26.

Conditions:
Retinitis pigmentosa (RP). Identifiers: Orphanet 791, MedGen C0035334, MeSH D012174, MONDO:0019200, OMIM 268000. Inheritance: Autosomal dominant, autosomal recessive and X linked inheritance.
Retinitis pigmentosa 54 (RP54). Identifiers: Orphanet 791, MedGen C3150691, MONDO:0013263, OMIM 613428.

Allele frequency attached by ClinVar (database versions not stated): 1000 Genomes Project 30x 0.00109; 1000 Genomes Project 0.00120; TOPMed 0.00338; ExAC 0.00339; gnomAD exomes 0.00341 and 0.00557; gnomAD 0.00363 and 0.00371; ESP Exome Variant Server 0.00378.

Submissions (9):

Labcorp Genetics (formerly Invitae), Labcorp
Classification: Benign. Last evaluated: 2026-01-26. Review status: criteria provided, single submitter. Criteria: Invitae Variant Classification Sherloc (09022015). Collection method: clinical testing. Allele origin: germline.

CeGaT Center for Human Genetics Tuebingen
Classification: Likely benign. Last evaluated: 2025-04-01. Review status: criteria provided, single submitter. Criteria: CeGaT Center For Human Genetics Tuebingen Variant Classification Criteria Version 2. Collection method: clinical testing. Allele origin: germline. Affected: yes. Observed: 8 variant alleles.
Comment: PCARE: BP4, BP7, BS2

Blueprint Genetics
Classification: Likely benign. Last evaluated: 2024-11-14. Review status: criteria provided, single submitter. Criteria: ACMG Guidelines, 2015. Collection method: clinical testing. Allele origin: germline.

Fulgent Genetics
Classification: Likely benign for Retinitis pigmentosa 54. Last evaluated: 2022-04-25. Review status: criteria provided, single submitter. Criteria: ACMG Guidelines, 2015. Collection method: clinical testing. Allele origin: unknown.

Illumina Laboratory Services, Illumina
Classification: Likely benign for Retinitis pigmentosa. Last evaluated: 2017-07-24. Review status: criteria provided, single submitter. Criteria: ICSL Variant Classification Criteria 13 December 2019. Collection method: clinical testing. Allele origin: germline.
Comment: This variant was observed as part of a predisposition screen in an ostensibly healthy population. A literature search was performed for the gene, cDNA change, and amino acid change (where applicable). Publications were found based on this search. The evidence from the literature, in combination with allele frequency data from public databases where available, was sufficient to determine this variant is unlikely to cause disease. Therefore, this variant is classified as likely benign.

Clinical Genetics DNA and cytogenetics Diagnostics Lab, Erasmus MC, Erasmus Medical Center
Classification: Benign for Retinitis pigmentosa 54. Last evaluated: 2017-06-28. Review status: criteria provided, single submitter. Criteria: ACGS Guidelines, 2013. Collection method: clinical testing. Allele origin: germline. Affected: yes. Study: VKGL Data-share Consensus.

Eurofins Ntd Llc (ga)
Classification: Likely benign. Last evaluated: 2015-09-22. Review status: criteria provided, single submitter. Criteria: EGL Classification Definitions 2015. Collection method: clinical testing. Allele origin: germline. Observed: 2 variant alleles, 2 heterozygotes.

Breakthrough Genomics
Classification: Likely benign. Review status: criteria provided, single submitter. Criteria: ACMG Guidelines, 2015. Collection method: not provided. Allele origin: germline. Inheritance: Unknown mechanism. Affected: yes.

Clinical Genetics, Academic Medical Center
Classification: Likely benign. Review status: no assertion criteria provided. Collection method: clinical testing. Allele origin: germline. Affected: yes. Study: VKGL Data-share Consensus. Not counted in ClinVar's aggregate classification.

Literature cited by the submitters: PubMed 21412943 (cited by Illumina Laboratory Services, Illumina); PubMed 20811058 (cited by Illumina Laboratory Services, Illumina).